The following is an entry in ClinVar:

NM_000264.5(PTCH1):c.2541C>G (p.Tyr847Ter)

Genes: PTCH1 (patched 1; minus strand), LOC100507346 (uncharacterized LOC100507346; plus strand). Cytogenetic location: 9q22.32.
Variant type: single nucleotide variant.
Coding change: c.2541C>G on transcript NM_000264.5 (MANE Select); coding-DNA position 2541, C replaced by G.
Protein change: p.Tyr847Ter; replaces tyrosine 847 with a stop codon.
Molecular consequence: nonsense. On other transcripts: non-coding transcript variant (2).
Genome position (GRCh38, 1-based): chr9:95,467,135, G>C on the plus strand (C>G on the coding strand, the complement: PTCH1 is on the minus strand). VCF-style: chr9-95467135-G-C. GRCh37 (hg19) VCF-style: chr9-98229417-G-C.
Other names: c.2343C>G, p.Tyr781Ter (NM_001083602.3); c.2538C>G, p.Tyr846Ter (NM_001083603.3); c.2088C>G, p.Tyr696Ter (NM_001083604.3, NM_001083605.3, NM_001083606.3 and 1 more transcripts); c.2385C>G, p.Tyr795Ter (NM_001354918.2); short protein forms Y781*, Y847*, Y846*, Y795*, Y696*.
Identifiers: ClinVar variation 450564 (VCV000450564.3), dbSNP rs863224347, ClinGen allele CA374113735.

ClinVar aggregate classification (germline): Pathogenic. Review status: criteria provided, multiple submitters, no conflicts (2 of 4 stars). 2 submissions from 2 submitters: Pathogenic (2). Last evaluated 2025-11-03.

Conditions:
Gorlin syndrome. Also called: Basal cell nevus syndrome; Nevoid Basal Cell Carcinoma Syndrome. Identifiers: Orphanet 377, MedGen C0004779, MONDO:0007187.

Submissions (2):

Labcorp Genetics (formerly Invitae), Labcorp
Classification: Pathogenic for Gorlin syndrome. Last evaluated: 2025-11-03. Review status: criteria provided, single submitter. Criteria: Invitae Variant Classification Sherloc (09022015). Collection method: clinical testing. Allele origin: germline.
Comment: This sequence change creates a premature translational stop signal (p.Tyr847*) in the PTCH1 gene. It is expected to result in an absent or disrupted protein product. Loss-of-function variants in PTCH1 are known to be pathogenic (PMID: 16301862, 16419085). This variant is not present in population databases (gnomAD no frequency). This premature translational stop signal has been observed in individual(s) with basal cell nevus syndrome (PMID: 37283107). ClinVar contains an entry for this variant (Variation ID: 450564). Algorithms developed to predict the effect of sequence changes on RNA splicing suggest that this variant may disrupt the consensus splice site. For these reasons, this variant has been classified as Pathogenic.

GeneDx
Classification: Pathogenic. Last evaluated: 2017-07-07. Review status: criteria provided, single submitter. Criteria: GeneDx Variant Classification (06012015). Collection method: clinical testing. Allele origin: germline. Affected: yes.
Comment: The Y847X nonsense variant in the PTCH1 gene has not been published as a pathogenic variant, nor has it been reported as a benign variant to our knowledge. This variant is predicted to cause loss of normal protein function either through protein truncation or nonsense-mediated mRNA decay. The Y847X variant is not observed in large population cohorts (Lek et al., 2016; 1000 Genomes Consortium et al., 2015; Exome Variant Server). Based on currently available evidence, we consider Y847X to be pathogenic.

Literature cited by the submitters: PubMed 16301862 (cited by Labcorp Genetics (formerly Invitae), Labcorp); PubMed 16419085 (cited by Labcorp Genetics (formerly Invitae), Labcorp); PubMed 37283107 (cited by Labcorp Genetics (formerly Invitae), Labcorp).